The following is an entry in ClinVar:

ClinVar aggregate classification (germline): Benign/Likely benign. Review status: criteria provided, multiple submitters, no conflicts (2 of 4 stars). 7 submissions from 6 submitters: Benign (3); Likely benign (2). 2 of the submissions do not count toward it. Last evaluated 2026-01-19.

Conditions:
Autosomal recessive ataxia, Beauce type. Also called: SYNE1-Related Autosomal Recessive Cerebellar Ataxia; Spinocerebellar ataxia, autosomal recessive 8; SYNE1 Deficiency; ATAXIA, RECESSIVE, OF BEAUCE. Identifiers: Orphanet 88644, MedGen C1853116, MONDO:0012549, OMIM 610743.
Emery-Dreifuss muscular dystrophy 4, autosomal dominant (EDMD4). Also called: EMERY-DREIFUSS MUSCULAR DYSTROPHY 4 WITH VARIABLE FEATURES. Identifiers: Orphanet 261, MedGen C2751807, MONDO:0013071, OMIM 612998.

Allele frequency attached by ClinVar (database versions not stated): gnomAD exomes 0.00028 and 0.00084; ExAC 0.00101; 1000 Genomes Project 30x 0.00297; 1000 Genomes Project 0.00300; ESP Exome Variant Server 0.00300; gnomAD 0.00310 and 0.00330; TOPMed 0.00364.
gnomAD v4.1: 922 of 1,614,148 alleles (0.057%); highest among the groups gnomAD compares: African/African-American, 1%; 7 homozygotes.

Submissions (7):

Labcorp Genetics (formerly Invitae), Labcorp
Classification: Benign for Emery-Dreifuss muscular dystrophy 4, autosomal dominant; Autosomal recessive ataxia, Beauce type. Last evaluated: 2026-01-19. Review status: criteria provided, single submitter. Criteria: Invitae Variant Classification Sherloc (09022015). Collection method: clinical testing. Allele origin: germline.

Blueprint Genetics
Classification: Likely benign. Last evaluated: 2024-11-25. Review status: criteria provided, single submitter. Criteria: ACMG Guidelines, 2015. Collection method: clinical testing. Allele origin: germline.

Illumina Laboratory Services, Illumina
Classification: Benign for Autosomal recessive ataxia, Beauce type. Last evaluated: 2018-01-12. Review status: criteria provided, single submitter. Criteria: ICSL Variant Classification Criteria 13 December 2019. Collection method: clinical testing. Allele origin: germline.
Comment: This variant was observed in the ICSL laboratory as part of a predisposition screen in an ostensibly healthy population. It had not been previously curated by ICSL or reported in the Human Gene Mutation Database (HGMD: prior to June 1st, 2018), and was therefore a candidate for classification through an automated scoring system. Utilizing variant allele frequency, disease prevalence and penetrance estimates, and inheritance mode, an automated score was calculated to assess if this variant is too frequent to cause the disease. Based on the score and internal cut-off values, a variant classified as benign is not then subjected to further curation. The score for this variant resulted in a classification of benign for this disease.

Illumina Laboratory Services, Illumina
Classification: Benign for Emery-Dreifuss muscular dystrophy 4, autosomal dominant. Last evaluated: 2018-01-12. Review status: criteria provided, single submitter. Criteria: ICSL Variant Classification Criteria 13 December 2019. Collection method: clinical testing. Allele origin: germline.
Comment: the same text as in the submission from Illumina Laboratory Services, Illumina above.

GeneDx
Classification: Likely benign. Last evaluated: 2017-11-27. Review status: criteria provided, single submitter. Criteria: GeneDx Variant Classification (06012015). Collection method: clinical testing. Allele origin: germline. Affected: yes.
Comment: This variant is considered likely benign or benign based on one or more of the following criteria: it is a conservative change, it occurs at a poorly conserved position in the protein, it is predicted to be benign by multiple in silico algorithms, and/or has population frequency not consistent with disease.

Clinical Genetics, Academic Medical Center
Classification: Benign. Review status: no assertion criteria provided. Collection method: clinical testing. Allele origin: germline. Affected: yes. Study: VKGL Data-share Consensus. Not counted in ClinVar's aggregate classification.

Genome Diagnostics Laboratory, University Medical Center Utrecht
Classification: Benign. Review status: no assertion criteria provided. Collection method: clinical testing. Allele origin: germline. Affected: yes. Study: VKGL Data-share Consensus. Not counted in ClinVar's aggregate classification.

NM_182961.4(SYNE1):c.17542-14A>G

Gene: SYNE1 (spectrin repeat containing nuclear envelope protein 1; minus strand). Cytogenetic location: 6q25.2.
Variant type: single nucleotide variant.
Coding change: c.17542-14A>G on transcript NM_182961.4 (MANE Select); 14 bases into the intron before coding-DNA position 17542, A replaced by G.
Molecular consequence: intron variant.
Genome position (GRCh38, 1-based): chr6:152,300,795, T>C on the plus strand (A>G on the coding strand, the complement: SYNE1 is on the minus strand). VCF-style: chr6-152300795-T-C. GRCh37 (hg19) VCF-style: chr6-152621930-T-C.
Other names: c.17329-14A>G (NM_033071.5).
Identifiers: ClinVar variation 385983 (VCV000385983.17), dbSNP rs111686341, ClinGen allele CA4055197.